The following is an entry in ClinVar:

ClinVar aggregate classification (germline): Conflicting classifications of pathogenicity. Review status: criteria provided, conflicting classifications (1 of 4 stars). 3 submissions from 3 submitters: Pathogenic (1); Uncertain significance (2). Last evaluated 2026-03-10.

Conditions:
Ritscher-Schinzel syndrome 4. Identifiers: MedGen C5561939, MONDO:0030331, OMIM 619435.

Submissions (3):

Women's Health and Genetics/Laboratory Corporation of America, LabCorp
Classification: Pathogenic for Ritscher-Schinzel syndrome 4. Last evaluated: 2026-03-10. Review status: criteria provided, single submitter. Criteria: LabCorp Variant Classification Summary - May 2015. Collection method: clinical testing. Allele origin: germline.
Comment: Variant summary: DPYSL5 c.73G>A (p.Glu25Lys) results in a conservative amino acid change in the encoded protein sequence. Algorithms developed to predict the effect of missense changes on protein structure and function are either unavailable or do not agree on the potential impact of this missense change. The variant was absent in 251460 control chromosomes.c.73G>A has been observed in at least 2 heterozygous individuals with clinical features of DPYSL5-related conditions and/or Ritscher-Schinzel Syndrome 4 (Desprez_2025, internal data). The variant was detected as a de novo occurrence in multiple individuals affected with overlapping features of DPYSL5-related conditions. At least one publication reports experimental evidence evaluating an impact on protein function and found that it lacked an inhibitory effect on on dendrite elongation and had different effects on synaptic density compared to the wild type protein, however, these findings do not allow for definitive conclusions about the variant effect (Desprez_2025). The following publications have been ascertained in the context of this evaluation (PMID: 41286434, 33024263). ClinVar contains an entry for this variant (Variation ID: 3901970). Based on the evidence outlined above, the variant was classified as pathogenic.

Dasa
Classification: Uncertain significance for Ritscher-Schinzel syndrome 4. Last evaluated: 2025-08-06. Review status: criteria provided, single submitter. Criteria: DASA Assertion Criteria. Collection method: clinical testing. Allele origin: germline.
Comment: NM_020134.4(DPYSL5):c.73G>A (p.Glu25Lys) is a missense variant that results in the substitution of glutamic acid with lysine. This variant is absent from population databases. The currently available literature and clinical evidence are not sufficient to establish a definitive association between this variant and the reported condition. Therefore, this variant is classified as a variant of uncertain significance.

Laboratorio de Genetica e Diagnostico Molecular, Hospital Israelita Albert Einstein
Classification: Uncertain significance for Ritscher-Schinzel syndrome 4. Last evaluated: 2024-06-24. Review status: criteria provided, single submitter. Criteria: ACMG Guidelines, 2015. Collection method: clinical testing. Allele origin: germline. Affected: yes.
Comment: ACMG classification criteria: PM2 supporting, PP2 supporting

Literature cited by the submitters: PubMed 33024263 (cited by Women's Health and Genetics/Laboratory Corporation of America, LabCorp); PubMed 41286434 (cited by Women's Health and Genetics/Laboratory Corporation of America, LabCorp).

NM_020134.4(DPYSL5):c.73G>A (p.Glu25Lys)

Gene: DPYSL5 (dihydropyrimidinase like 5; plus strand). Cytogenetic location: 2p23.3.
Variant type: single nucleotide variant.
Coding change: c.73G>A on transcript NM_020134.4 (MANE Select); coding-DNA position 73, G replaced by A.
Protein change: p.Glu25Lys; replaces glutamic acid 25 with lysine.
Molecular consequence: missense variant.
Genome position (GRCh38, 1-based): chr2:26,898,572, G>A. VCF-style: chr2-26898572-G-A. GRCh37 (hg19) VCF-style: chr2-27121440-G-A.
Other names: c.73G>A, p.Glu25Lys (NM_001253723.2, NM_001253724.2); short protein forms E25K.
Identifiers: ClinVar variation 3901970 (VCV003901970.4).